The following is an entry in ClinVar:

ClinVar aggregate classification (germline): Conflicting classifications of pathogenicity. Review status: criteria provided, conflicting classifications (1 of 4 stars). 4 submissions from 4 submitters: Uncertain significance (3); Likely benign (1). Last evaluated 2025-11-24.

Conditions:
Immunodeficiency, common variable, 2 (CVID2). Also called: HYPOGAMMAGLOBULINEMIA DUE TO TACI DEFICIENCY; ANTIBODY DEFICIENCY DUE TO TACI DEFECT. Identifiers: Orphanet 1572, MedGen C3150354, MONDO:0009413, OMIM 240500.
Immunoglobulin A deficiency 2 (IGAD2). Identifiers: MedGen C1836032, MONDO:0012291, OMIM 609529.
Inborn genetic diseases. Identifiers: MedGen C0950123, MeSH D030342.

Allele frequency attached by ClinVar (database versions not stated): ExAC 0.00026; TOPMed 0.00031; ESP Exome Variant Server 0.00008; gnomAD exomes 0.00008 and 0.00024; gnomAD 0.00015 and 0.00016.
gnomAD v4.1: 150 of 1,613,806 alleles (0.0093%); highest among the groups gnomAD compares: Admixed American, 0.082%; 1 homozygote.

Submissions (4):

Labcorp Genetics (formerly Invitae), Labcorp
Classification: Likely benign for Immunodeficiency, common variable, 2. Last evaluated: 2025-11-24. Review status: criteria provided, single submitter. Criteria: Invitae Variant Classification Sherloc (09022015). Collection method: clinical testing. Allele origin: germline.

Ambry Genetics
Classification: Uncertain significance for Inborn genetic diseases. Last evaluated: 2021-08-02. Review status: criteria provided, single submitter. Criteria: Ambry Variant Classification Scheme 2023. Collection method: clinical testing. Allele origin: germline.

Baylor Genetics
Classification: Uncertain significance for Immunodeficiency, common variable, 2. Last evaluated: 2018-01-17. Review status: criteria provided, single submitter. Criteria: ACMG Guidelines, 2015. Collection method: clinical testing. Allele origin: paternal. Affected: yes.
Comment: This variant was determined to be of uncertain significance according to ACMG Guidelines, 2015 [PMID:25741868].

Center for Genomics, Ann and Robert H. Lurie Children's Hospital of Chicago
Classification: Uncertain significance for Immunodeficiency, common variable, 2; Immunoglobulin A deficiency 2. Review status: criteria provided, single submitter. Criteria: ACMG Guidelines, 2015. Collection method: clinical testing. Allele origin: germline.
Comment: This variant has not been reported in the literature but is present in the Genome Aggregation Database (Highest reported MAF: 0.15% [15/10348]) and is present in ClinVar (Variation ID: 322026). Evolutionary conservation and computational predictive tools suggest that this variant may not impact the protein. In summary, data on this variant is insufficient for disease classification. Therefore, the clinical significance of this variant is uncertain.

NM_012452.3(TNFRSF13B):c.592C>T (p.Arg198Cys)

Gene: TNFRSF13B (TNF receptor superfamily member 13B; minus strand). Cytogenetic location: 17p11.2.
Variant type: single nucleotide variant.
Coding change: c.592C>T on transcript NM_012452.3 (MANE Select); coding-DNA position 592, C replaced by T.
Protein change: p.Arg198Cys; replaces arginine 198 with cysteine.
Molecular consequence: missense variant.
Genome position (GRCh38, 1-based): chr17:16,940,365, G>A on the plus strand (C>T on the coding strand, the complement: TNFRSF13B is on the minus strand). VCF-style: chr17-16940365-G-A. GRCh37 (hg19) VCF-style: chr17-16843679-G-A.
Other names: short protein forms R198C.
Identifiers: ClinVar variation 322026 (VCV000322026.14), dbSNP rs140781824, ClinGen allele CA8413929.
Genomic context (GRCh38, chr17:16,940,365, plus strand): 5'-ACCCCAGTTTCATGCACTCACCCTGGGAAGACTTGGCCGGACTTTGACGGGGCCTTGAGC[G>A]GGGCTGGCAGGAGCAGGGATCCCCCCTCTTCTTGAGGAAGCAGGCCACCGCCACCAGGAA-3'
Protein context (NP_036584.1, residues 188-208): KRGDPCSCQP[Arg198Cys]SRPRQSPAKS